The following is an entry in ClinVar:

ClinVar aggregate classification (germline): Benign. Review status: criteria provided, multiple submitters, no conflicts (2 of 4 stars). 3 submissions from 3 submitters: Benign (2). 1 of the submissions does not count toward it. Last evaluated 2026-01-19.

Conditions:
CBX2-related disorder. Also called: CBX2-related condition.

Allele frequency attached by ClinVar (database versions not stated): ESP Exome Variant Server 0.00901; gnomAD 0.00997 and 0.01070; TOPMed 0.01068; 1000 Genomes Project 0.01078; 1000 Genomes Project 30x 0.01109.
gnomAD v4.1: 2,832 of 1,613,120 alleles (0.18%); highest among the groups gnomAD compares: African/African-American, 3.4%; 53 homozygotes.

Submissions (3):

Labcorp Genetics (formerly Invitae), Labcorp
Classification: Benign. Last evaluated: 2026-01-19. Review status: criteria provided, single submitter. Criteria: Invitae Variant Classification Sherloc (09022015). Collection method: clinical testing. Allele origin: germline.

Breakthrough Genomics
Classification: Benign. Review status: criteria provided, single submitter. Criteria: ACMG Guidelines, 2015. Collection method: not provided. Allele origin: germline. Inheritance: Autosomal recessive inheritance. Affected: yes.

PreventionGenetics, part of Exact Sciences
Classification: Benign for CBX2-related condition. Last evaluated: 2019-05-13. Review status: no assertion criteria provided. Collection method: clinical testing. Allele origin: germline. Not counted in ClinVar's aggregate classification.
Comment: This variant is classified as benign based on ACMG/AMP sequence variant interpretation guidelines (Richards et al. 2015 PMID: 25741868, with internal and published modifications).

NM_005189.3(CBX2):c.577C>A (p.Leu193Met)

Gene: CBX2 (chromobox 2; plus strand). Cytogenetic location: 17q25.3.
Variant type: single nucleotide variant.
Coding change: c.577C>A on transcript NM_005189.3 (MANE Select); coding-DNA position 577, C replaced by A.
Protein change: p.Leu193Met; replaces leucine 193 with methionine.
Molecular consequence: missense variant.
Genome position (GRCh38, 1-based): chr17:79,784,020, C>A. VCF-style: chr17-79784020-C-A. GRCh37 (hg19) VCF-style: chr17-77757819-C-A.
Other names: short protein forms L193M.
Identifiers: ClinVar variation 784364 (VCV000784364.13), dbSNP rs61739322, ClinGen allele CA8811272.